The following is an entry in ClinVar:

NM_004304.5(ALK):c.2891T>C (p.Ile964Thr)

Gene: ALK (ALK receptor tyrosine kinase; minus strand). Cytogenetic location: 2p23.2.
Variant type: single nucleotide variant.
Coding change: c.2891T>C on transcript NM_004304.5 (MANE Select); coding-DNA position 2891, T replaced by C.
Protein change: p.Ile964Thr; replaces isoleucine 964 with threonine.
Molecular consequence: missense variant.
Genome position (GRCh38, 1-based): chr2:29,227,597, A>G on the plus strand (T>C on the coding strand, the complement: ALK is on the minus strand). VCF-style: chr2-29227597-A-G. GRCh37 (hg19) VCF-style: chr2-29450463-A-G.
Other names: short protein forms I964T.
Identifiers: ClinVar variation 3621096 (VCV003621096.2).

ClinVar aggregate classification (germline): Uncertain significance (1 of 4 stars; one submission).

Conditions:
Neuroblastoma, susceptibility to, 3. Also called: ALK-Related Neuroblastic Tumor Susceptibility. Identifiers: Orphanet 635, MedGen C2751681, MONDO:0013083, OMIM 613014.

Submission:

Labcorp Genetics (formerly Invitae), Labcorp
Classification: Uncertain significance for Neuroblastoma, susceptibility to, 3. Last evaluated: 2024-03-22. Review status: criteria provided, single submitter. Criteria: Invitae Variant Classification Sherloc (09022015). Collection method: clinical testing. Allele origin: germline.
Comment: This sequence change replaces isoleucine, which is neutral and non-polar, with threonine, which is neutral and polar, at codon 964 of the ALK protein (p.Ile964Thr). This variant is not present in population databases (gnomAD no frequency). This variant has not been reported in the literature in individuals affected with ALK-related conditions. Algorithms developed to predict the effect of missense changes on protein structure and function output the following: SIFT: "Not Available"; PolyPhen-2: "Benign"; Align-GVGD: "Not Available". The threonine amino acid residue is found in multiple mammalian species, which suggests that this missense change does not adversely affect protein function. Algorithms developed to predict the effect of sequence changes on RNA splicing suggest that this variant may disrupt the consensus splice site. In summary, the available evidence is currently insufficient to determine the role of this variant in disease. Therefore, it has been classified as a Variant of Uncertain Significance.